The following is an entry in ClinVar:

NM_002382.5(MAX):c.194A>G (p.Asp65Gly)

Gene: MAX (MYC associated transcriptional regulator X; minus strand). Cytogenetic location: 14q23.3.
Variant type: single nucleotide variant.
Coding change: c.194A>G on transcript NM_002382.5 (MANE Select); coding-DNA position 194, A replaced by G.
Protein change: p.Asp65Gly; replaces aspartic acid 65 with glycine.
Molecular consequence: missense variant. On other transcripts: non-coding transcript variant (7), intron variant (2), 5 prime UTR variant (6).
Genome position (GRCh38, 1-based): chr14:65,078,014, T>C on the plus strand (A>G on the coding strand, the complement: MAX is on the minus strand). VCF-style: chr14-65078014-T-C. GRCh37 (hg19) VCF-style: chr14-65544732-T-C.
Other names: c.144+15694A>G (NM_001271069.2); c.171+15694A>G (NM_197957.4); c.-81A>G (NM_001320415.2, NM_001407105.1, NM_001407106.1 and 1 more transcripts); c.194A>G, p.Asp65Gly (NM_001407094.1, NM_001407096.1, NM_001407097.1 and 3 more transcripts); c.167A>G, p.Asp56Gly (NM_001407095.1, NM_001407099.1, NM_001407100.1 and 6 more transcripts); c.86A>G, p.Asp29Gly (NM_001407098.1); c.-174A>G (NM_001407111.1, NM_001407112.1); short protein forms D29G, D56G, D65G.
Identifiers: ClinVar variation 2568118 (VCV002568118.5), dbSNP rs2139755472, ClinGen allele CA390035915.

ClinVar aggregate classification (germline): Uncertain significance. Review status: criteria provided, multiple submitters, no conflicts (2 of 4 stars). 2 submissions from 2 submitters: Uncertain significance (2). Last evaluated 2023-09-10.

Conditions:
Hereditary cancer-predisposing syndrome. Also called: Neoplastic Syndromes, Hereditary; Tumor predisposition; Hereditary Cancer Syndrome; Hereditary neoplastic syndrome. Identifiers: Orphanet 140162, MedGen C0027672, MeSH D009386, MONDO:0015356.
Hereditary pheochromocytoma and paraganglioma. Also called: Hereditary paragangliomas and pheochromocytomas; Hereditary Paraganglioma-Pheochromocytoma Syndromes; Hereditary pheochromocytoma-paraganglioma. Identifiers: Orphanet 29072, MedGen C4274332, MONDO:0017366.

Submissions (2):

Labcorp Genetics (formerly Invitae), Labcorp
Classification: Uncertain significance for Hereditary pheochromocytoma and paraganglioma. Last evaluated: 2023-09-10. Review status: criteria provided, single submitter. Criteria: Invitae Variant Classification Sherloc (09022015). Collection method: clinical testing. Allele origin: germline.
Comment: This sequence change replaces aspartic acid, which is acidic and polar, with glycine, which is neutral and non-polar, at codon 65 of the MAX protein (p.Asp65Gly). This variant is not present in population databases (gnomAD no frequency). This variant has not been reported in the literature in individuals affected with MAX-related conditions. ClinVar contains an entry for this variant (Variation ID: 2568118). An algorithm developed to predict the effect of missense changes on protein structure and function (PolyPhen-2) suggests that this variant is likely to be tolerated. In summary, the available evidence is currently insufficient to determine the role of this variant in disease. Therefore, it has been classified as a Variant of Uncertain Significance.

Ambry Genetics
Classification: Uncertain significance for Hereditary cancer-predisposing syndrome. Last evaluated: 2023-04-16. Review status: criteria provided, single submitter. Criteria: Ambry Variant Classification Scheme 2023. Collection method: clinical testing. Allele origin: germline.
Comment: The p.D65G variant (also known as c.194A>G), located in coding exon 4 of the MAX gene, results from an A to G substitution at nucleotide position 194. The aspartic acid at codon 65 is replaced by glycine, an amino acid with similar properties. This amino acid position is conserved. In addition, this alteration is predicted to be deleterious by in silico analysis. Since supporting evidence is limited at this time, the clinical significance of this alteration remains unclear.